The following is an entry in ClinVar:

NM_145290.4(ADGRA3):c.1124A>G (p.Gln375Arg)

Gene: ADGRA3 (adhesion G protein-coupled receptor A3; minus strand). Cytogenetic location: 4p15.2.
Variant type: single nucleotide variant.
Coding change: c.1124A>G on transcript NM_145290.4 (MANE Select); coding-DNA position 1124, A replaced by G.
Protein change: p.Gln375Arg; replaces glutamine 375 with arginine.
Molecular consequence: missense variant.
Genome position (GRCh38, 1-based): chr4:22,436,603, T>C on the plus strand (A>G on the coding strand, the complement: ADGRA3 is on the minus strand). VCF-style: chr4-22436603-T-C. GRCh37 (hg19) VCF-style: chr4-22438226-T-C.
Other names: short protein forms Q375R.
Identifiers: ClinVar variation 1061187 (VCV001061187.9), dbSNP rs2109062334, ClinGen allele CA356482390.
Genomic context (GRCh38, chr4:22,436,603, plus strand): 5'-TTTCTCTCATCCTGTGGGTTTCCGGGATATATCCCACTGCCATGGGTGTTCCGCGTACAC[T>C]GCAGATATGCAGTAATGCCTGCCAATGTTCTGGGCCATCTAGAGATGAAGACAAAATAGT-3'
Protein context (NP_660333.2, residues 365-385): RTLAGITAYL[Gln375Arg]CTRNTHGSGI

ClinVar aggregate classification (germline): Uncertain significance (1 of 4 stars; one submission).

Submission:

Labcorp Genetics (formerly Invitae), Labcorp
Classification: Uncertain significance. Last evaluated: 2022-10-25. Review status: criteria provided, single submitter. Criteria: Invitae Variant Classification Sherloc (09022015). Collection method: clinical testing. Allele origin: germline.
Comment: In summary, the available evidence is currently insufficient to determine the role of this variant in disease. Therefore, it has been classified as a Variant of Uncertain Significance. Algorithms developed to predict the effect of missense changes on protein structure and function (SIFT, PolyPhen-2, Align-GVGD) all suggest that this variant is likely to be tolerated. ClinVar contains an entry for this variant (Variation ID: 1061187). This variant has not been reported in the literature in individuals affected with ADGRA3-related conditions. This variant is not present in population databases (gnomAD no frequency). This sequence change replaces glutamine, which is neutral and polar, with arginine, which is basic and polar, at codon 375 of the ADGRA3 protein (p.Gln375Arg).